The following is an entry in ClinVar:

NM_002971.6(SATB1):c.1138C>T (p.Arg380Cys)

Gene: SATB1 (SATB homeobox 1; minus strand). Cytogenetic location: 3p24.3.
Variant type: single nucleotide variant.
Coding change: c.1138C>T on transcript NM_002971.6 (MANE Select); coding-DNA position 1138, C replaced by T.
Protein change: p.Arg380Cys; replaces arginine 380 with cysteine.
Molecular consequence: missense variant.
Genome position (GRCh38, 1-based): chr3:18,394,530, G>A on the plus strand (C>T on the coding strand, the complement: SATB1 is on the minus strand). VCF-style: chr3-18394530-G-A. GRCh37 (hg19) VCF-style: chr3-18436022-G-A.
Other names: c.1138C>T, p.Arg380Cys (NM_001131010.4, NM_001195470.3, NM_001322871.2 and 4 more transcripts); c.922C>T, p.Arg308Cys (NM_001322876.2); short protein forms R308C, R380C.
Identifiers: ClinVar variation 4975806 (VCV004975806.1).
Genomic context (GRCh38, chr3:18,394,530, plus strand): 5'-TGTTAAAAGCCACACGTGCAAATACCGCCTGGGAGATTCCTGCTCGTTTCAGTTCATCGC[G>A]TACCCACTGGTAGATTTCGGAAGACACCTCTGTGTTGGTCGAAACCTGTTGCTCCAAAGG-3'
Protein context (NP_002962.1, residues 370-390): EVSSEIYQWV[Arg380Cys]DELKRAGISQ

ClinVar aggregate classification (germline): Uncertain significance (1 of 4 stars; one submission).

Submission:

GeneDx
Classification: Uncertain significance. Last evaluated: 2026-02-03. Review status: criteria provided, single submitter. Criteria: GeneDx Variant Classification Process June 2021. Collection method: clinical testing. Allele origin: germline.
Comment: Not observed at significant frequency in large population cohorts (gnomAD); In silico analysis supports that this missense variant has a deleterious effect on protein structure/function; Has not been previously published as pathogenic or benign to our knowledge